The following is an entry in ClinVar:

NM_017654.4(SAMD9):c.2144A>G (p.Glu715Gly)

Gene: SAMD9 (sterile alpha motif domain containing 9; minus strand). Cytogenetic location: 7q21.2.
Variant type: single nucleotide variant.
Coding change: c.2144A>G on transcript NM_017654.4 (MANE Select); coding-DNA position 2144, A replaced by G.
Protein change: p.Glu715Gly; replaces glutamic acid 715 with glycine.
Molecular consequence: missense variant.
Genome position (GRCh38, 1-based): chr7:93,103,954, T>C on the plus strand (A>G on the coding strand, the complement: SAMD9 is on the minus strand). VCF-style: chr7-93103954-T-C. GRCh37 (hg19) VCF-style: chr7-92733267-T-C.
Other names: c.2144A>G, p.Glu715Gly (NM_001193307.2); c.2144A>G (NM_017654.3); short protein forms E715G.
Identifiers: ClinVar variation 2850760 (VCV002850760.4), dbSNP rs2535358942, ClinGen allele CA368192752.

ClinVar aggregate classification (germline): Uncertain significance. Review status: criteria provided, multiple submitters, no conflicts (2 of 4 stars). 2 submissions from 2 submitters: Uncertain significance (2). Last evaluated 2025-02-04.

Conditions:
Inborn genetic diseases. Identifiers: MedGen C0950123, MeSH D030342.

Submissions (2):

Ambry Genetics
Classification: Uncertain significance for Inborn genetic diseases. Last evaluated: 2025-02-04. Review status: criteria provided, single submitter. Criteria: Ambry Variant Classification Scheme 2023. Collection method: clinical testing. Allele origin: germline.
Comment: The p.E715G variant (also known as c.2144A>G), located in coding exon 1 of the SAMD9 gene, results from an A to G substitution at nucleotide position 2144. The glutamic acid at codon 715 is replaced by glycine, an amino acid with similar properties. This amino acid position is conserved. In addition, this alteration is predicted to be tolerated by in silico analysis. Based on the available evidence, the clinical significance of this variant remains unclear.

Labcorp Genetics (formerly Invitae), Labcorp
Classification: Uncertain significance. Last evaluated: 2023-03-29. Review status: criteria provided, single submitter. Criteria: Invitae Variant Classification Sherloc (09022015). Collection method: clinical testing. Allele origin: germline.
Comment: Advanced modeling of protein sequence and biophysical properties (such as structural, functional, and spatial information, amino acid conservation, physicochemical variation, residue mobility, and thermodynamic stability) performed at Invitae indicates that this missense variant is not expected to disrupt SAMD9 protein function. In summary, the available evidence is currently insufficient to determine the role of this variant in disease. Therefore, it has been classified as a Variant of Uncertain Significance. This variant has not been reported in the literature in individuals affected with SAMD9-related conditions. This variant is not present in population databases (gnomAD no frequency). This sequence change replaces glutamic acid, which is acidic and polar, with glycine, which is neutral and non-polar, at codon 715 of the SAMD9 protein (p.Glu715Gly).